The following is an entry in ClinVar:

ClinVar aggregate classification (germline): Likely benign. Review status: criteria provided, multiple submitters, no conflicts (2 of 4 stars). 3 submissions from 3 submitters: Likely benign (2). 1 of the submissions does not count toward it. Last evaluated 2024-11-26.

Conditions:
PALLD-related disorder. Also called: PALLD-related condition.
Pancreatic adenocarcinoma. Identifiers: MedGen C0281361, MONDO:0006047, HP:0006725.

Allele frequency attached by ClinVar (database versions not stated): gnomAD exomes 0.00003.
gnomAD v4.1: 45 of 1,525,416 alleles (0.003%); highest among the groups gnomAD compares: Non-Finnish European, 0.0038%; no homozygotes.

Submissions (3):

Ambry Genetics
Classification: Likely benign. Last evaluated: 2024-11-26. Review status: criteria provided, single submitter. Criteria: Ambry Variant Classification Scheme 2023. Collection method: clinical testing. Allele origin: germline.

Labcorp Genetics (formerly Invitae), Labcorp
Classification: Likely benign for Pancreatic adenocarcinoma. Last evaluated: 2022-10-03. Review status: criteria provided, single submitter. Criteria: Invitae Variant Classification Sherloc (09022015). Collection method: clinical testing. Allele origin: germline.

PreventionGenetics, part of Exact Sciences
Classification: Likely benign for PALLD-related condition. Last evaluated: 2024-05-31. Review status: no assertion criteria provided. Collection method: clinical testing. Allele origin: germline. Not counted in ClinVar's aggregate classification.
Comment: This variant is classified as likely benign based on ACMG/AMP sequence variant interpretation guidelines (Richards et al. 2015 PMID: 25741868, with internal and published modifications).

NM_001166108.2(PALLD):c.1965-12602C>T

Gene: PALLD (palladin, cytoskeletal associated protein; plus strand). Cytogenetic location: 4q32.3.
Variant type: single nucleotide variant.
Coding change: c.1965-12602C>T on transcript NM_001166108.2 (MANE Select); 12602 bases into the intron before coding-DNA position 1965, C replaced by T.
Molecular consequence: intron variant. On other transcripts: synonymous variant (1).
Genome position (GRCh38, 1-based): chr4:168,878,320, C>T. VCF-style: chr4-168878320-C-T. GRCh37 (hg19) VCF-style: chr4-169799471-C-T.
Other names: c.429C>T, p.Leu143= (NM_001166110.2); c.1965-12602C>T (NM_016081.4); c.819-12602C>T (NM_001166109.2); c.-157-12602C>T (NM_001367570.1, NM_001367568.1, NM_001367567.1 and 1 more transcripts); c.429C>T (NM_001166110.1).
Identifiers: ClinVar variation 1155243 (VCV001155243.11), dbSNP rs1002022068, ClinGen allele CA110515947.
Genomic context (GRCh38, chr4:168,878,320, plus strand): 5'-GTCCCACTGCTCGTCGCCTGCCACCCGCTTCGGCCACAGCCAGACGCCCGCGGCCTTCCT[C>T]AGCGCTCTGCTGCCCTCGCAGCCGCCGCCGGCGGCCGTCAACGCCCTGGGGCTGCCCAAG-3'